The following is an entry in ClinVar:

ClinVar aggregate classification (germline): Conflicting classifications of pathogenicity. Review status: criteria provided, conflicting classifications (1 of 4 stars). 2 submissions from 2 submitters: Uncertain significance (1); Benign (1). Last evaluated 2023-12-28.

Conditions:
Inborn genetic diseases. Identifiers: MedGen C0950123, MeSH D030342.
Glomuvenous malformation. Also called: GLOMANGIOMAS, MULTIPLE; GLOMUS TUMORS, MULTIPLE; VENOUS MALFORMATIONS WITH GLOMUS CELLS; Familial glomangioma. Identifiers: Orphanet 83454, MedGen C1841984, MONDO:0007672, OMIM 138000.

Allele frequency attached by ClinVar (database versions not stated): TOPMed 0.00006; ESP Exome Variant Server 0.00008; gnomAD 0.00008 and 0.00009; gnomAD exomes 0.00008 and 0.00014; ExAC 0.00020.
gnomAD v4.1: 133 of 1,565,782 alleles (0.0085%); highest among the groups gnomAD compares: South Asian, 0.022%; no homozygotes.

Submissions (2):

Ambry Genetics
Classification: Uncertain significance for Inborn genetic diseases. Last evaluated: 2023-12-28. Review status: criteria provided, single submitter. Criteria: Ambry Variant Classification Scheme 2023. Collection method: clinical testing. Allele origin: germline.

Illumina Laboratory Services, Illumina
Classification: Benign for Glomuvenous malformation. Last evaluated: 2018-01-12. Review status: criteria provided, single submitter. Criteria: ICSL Variant Classification Criteria 13 December 2019. Collection method: clinical testing. Allele origin: germline.
Comment: This variant was observed in the ICSL laboratory as part of a predisposition screen in an ostensibly healthy population. It had not been previously curated by ICSL or reported in the Human Gene Mutation Database (HGMD: prior to June 1st, 2018), and was therefore a candidate for classification through an automated scoring system. Utilizing variant allele frequency, disease prevalence and penetrance estimates, and inheritance mode, an automated score was calculated to assess if this variant is too frequent to cause the disease. Based on the score and internal cut-off values, a variant classified as benign is not then subjected to further curation. The score for this variant resulted in a classification of benign for this disease.

NM_053274.3(GLMN):c.1022A>G (p.Asn341Ser)

Gene: GLMN (glomulin, FKBP associated protein; minus strand). Cytogenetic location: 1p22.1.
Variant type: single nucleotide variant.
Coding change: c.1022A>G on transcript NM_053274.3 (MANE Select); coding-DNA position 1022, A replaced by G.
Protein change: p.Asn341Ser; replaces asparagine 341 with serine.
Molecular consequence: missense variant. On other transcripts: non-coding transcript variant (1).
Genome position (GRCh38, 1-based): chr1:92,267,989, T>C on the plus strand (A>G on the coding strand, the complement: GLMN is on the minus strand). VCF-style: chr1-92267989-T-C. GRCh37 (hg19) VCF-style: chr1-92733546-T-C.
Other names: c.1022A>G, p.Asn341Ser (NM_001319683.2); short protein forms N341S.
Identifiers: ClinVar variation 298133 (VCV000298133.6), dbSNP rs147889200, ClinGen allele CA950394.